The following is an entry in ClinVar:

ClinVar aggregate classification (germline): Likely benign. Review status: criteria provided, multiple submitters, no conflicts (2 of 4 stars). 2 submissions from 2 submitters: Likely benign (2). Last evaluated 2023-12-18.

Allele frequency attached by ClinVar (database versions not stated): gnomAD exomes 0.00001; ExAC 0.00002; TOPMed 0.00002; gnomAD 0.00005; 1000 Genomes Project 30x 0.00016; 1000 Genomes Project 0.00020.
gnomAD v4.1: 44 of 1,614,038 alleles (0.0027%); highest among the groups gnomAD compares: East Asian, 0.025%; no homozygotes.

Submissions (2):

Labcorp Genetics (formerly Invitae), Labcorp
Classification: Likely benign. Last evaluated: 2023-12-18. Review status: criteria provided, single submitter. Criteria: Invitae Variant Classification Sherloc (09022015). Collection method: clinical testing. Allele origin: germline.

GeneDx
Classification: Likely benign. Last evaluated: 2017-07-10. Review status: criteria provided, single submitter. Criteria: GeneDx Variant Classification (06012015). Collection method: clinical testing. Allele origin: germline. Affected: yes.
Comment: This variant is considered likely benign or benign based on one or more of the following criteria: it is a conservative change, it occurs at a poorly conserved position in the protein, it is predicted to be benign by multiple in silico algorithms, and/or has population frequency not consistent with disease.

NM_020320.5(RARS2):c.1287C>T (p.Leu429=)

Gene: RARS2 (arginyl-tRNA synthetase 2, mitochondrial; minus strand). Cytogenetic location: 6q15.
Variant type: single nucleotide variant.
Coding change: c.1287C>T on transcript NM_020320.5 (MANE Select); coding-DNA position 1287, C replaced by T.
Protein change: p.Leu429=; no amino-acid change (leucine 429 retained).
Molecular consequence: synonymous variant. On other transcripts: non-coding transcript variant (23).
Genome position (GRCh38, 1-based): chr6:87,518,842, G>A on the plus strand (C>T on the coding strand, the complement: RARS2 is on the minus strand). VCF-style: chr6-87518842-G-A. GRCh37 (hg19) VCF-style: chr6-88228560-G-A.
Other names: c.762C>T, p.Leu254= (NM_001318785.2, NM_001350506.2, NM_001350507.2 and 4 more transcripts); c.1287C>T, p.Leu429= (NM_001350505.2).
Identifiers: ClinVar variation 510616 (VCV000510616.10), dbSNP rs192821560, ClinGen allele CA3916338.